The following is an entry in ClinVar:

NM_033305.3(VPS13A):c.9386G>A (p.Arg3129His)

Gene: VPS13A (vacuolar protein sorting 13 homolog A; plus strand). Cytogenetic location: 9q21.2.
Variant type: single nucleotide variant.
Coding change: c.9386G>A on transcript NM_033305.3 (MANE Select); coding-DNA position 9386, G replaced by A.
Protein change: p.Arg3129His; replaces arginine 3129 with histidine.
Molecular consequence: missense variant.
Genome position (GRCh38, 1-based): chr9:77,405,974, G>A. VCF-style: chr9-77405974-G-A. GRCh37 (hg19) VCF-style: chr9-80020890-G-A.
Other names: c.9269G>A, p.Arg3090His (NM_001018037.2); short protein forms R3090H, R3129H.
Identifiers: ClinVar variation 2545025 (VCV002545025.4), dbSNP rs376343549, ClinGen allele CA5094033.

ClinVar aggregate classification (germline): Uncertain significance. Review status: criteria provided, multiple submitters, no conflicts (2 of 4 stars). 3 submissions from 3 submitters: Uncertain significance (3). Last evaluated 2026-04-17.

Conditions:
Inborn genetic diseases. Identifiers: MedGen C0950123, MeSH D030342.

gnomAD v4.1: 16 of 1,613,570 alleles (0.00099%); highest among the groups gnomAD compares: African/African-American, 0.0027%; no homozygotes.

Submissions (3):

GeneDx
Classification: Uncertain significance. Last evaluated: 2026-04-17. Review status: criteria provided, single submitter. Criteria: GeneDx Variant Classification Process June 2021. Collection method: clinical testing. Allele origin: germline.
Comment: Not observed at significant frequency in large population cohorts (gnomAD); In silico analysis supports that this missense variant has a deleterious effect on protein structure/function; Has not been previously published as pathogenic or benign to our knowledge

Blueprint Genetics
Classification: Uncertain significance. Last evaluated: 2024-11-21. Review status: criteria provided, single submitter. Criteria: ACMG Guidelines, 2015. Collection method: clinical testing. Allele origin: germline.

Ambry Genetics
Classification: Uncertain significance for Inborn genetic diseases. Last evaluated: 2023-05-08. Review status: criteria provided, single submitter. Criteria: Ambry Variant Classification Scheme 2023. Collection method: clinical testing. Allele origin: germline.